The following is an entry in ClinVar:

ClinVar aggregate classification (germline): Uncertain significance (1 of 4 stars; one submission).

Allele frequency attached by ClinVar (database versions not stated): gnomAD exomes below 0.00001.
gnomAD v4.1: 1 of 1,583,972 alleles (0.000063%); highest among the groups gnomAD compares: South Asian, 0.0011%; no homozygotes.

Submission:

CeGaT Center for Human Genetics Tuebingen
Classification: Uncertain significance. Last evaluated: 2022-07-01. Review status: criteria provided, single submitter. Criteria: CeGaT Center For Human Genetics Tuebingen Variant Classification Criteria Version 2. Collection method: clinical testing. Allele origin: germline. Affected: yes. Observed: 1 variant allele.
Comment: CACNA1A: PM2, PP2, PP3

NM_001127222.2(CACNA1A):c.2657G>A (p.Ser886Asn)

Gene: CACNA1A (calcium voltage-gated channel subunit alpha1 A; minus strand). Cytogenetic location: 19p13.13.
Variant type: single nucleotide variant.
Coding change: c.2657G>A on transcript NM_001127222.2 (MANE Select); coding-DNA position 2657, G replaced by A.
Protein change: p.Ser886Asn; replaces serine 886 with asparagine.
Molecular consequence: missense variant.
Genome position (GRCh38, 1-based): chr19:13,298,976, C>T on the plus strand (G>A on the coding strand, the complement: CACNA1A is on the minus strand). VCF-style: chr19-13298976-C-T. GRCh37 (hg19) VCF-style: chr19-13409790-C-T.
Other names: c.2669G>A, p.Ser890Asn (NM_000068.4, NM_023035.3); c.2660G>A, p.Ser887Asn (NM_001127221.2, NM_001174080.2); short protein forms S886N, S887N, S890N.
Identifiers: ClinVar variation 1701354 (VCV001701354.31), dbSNP rs2144955896, ClinGen allele CA404342986.